The following is an entry in ClinVar:

ClinVar aggregate classification (germline): Uncertain significance (1 of 4 stars; one submission).

Conditions:
Charcot-Marie-Tooth disease axonal type 2O. Also called: CHARCOT-MARIE-TOOTH DISEASE, AXONAL, AUTOSOMAL DOMINANT, TYPE 2O; CHARCOT-MARIE-TOOTH NEUROPATHY, AXONAL, TYPE 2O; Charcot-Marie-Tooth Neuropathy Type 2O; Charcot-Marie-Tooth disease, axonal, type 20. Identifiers: Orphanet 284232, MedGen C3280220, MONDO:0013644, OMIM 614228.

Submission:

Labcorp Genetics (formerly Invitae), Labcorp
Classification: Uncertain significance for Charcot-Marie-Tooth disease axonal type 2O. Last evaluated: 2022-10-08. Review status: criteria provided, single submitter. Criteria: Invitae Variant Classification Sherloc (09022015). Collection method: clinical testing. Allele origin: germline.
Comment: In summary, the available evidence is currently insufficient to determine the role of this variant in disease. Therefore, it has been classified as a Variant of Uncertain Significance. This sequence change replaces glutamic acid, which is acidic and polar, with lysine, which is basic and polar, at codon 678 of the DYNC1H1 protein (p.Glu678Lys). This variant has not been reported in the literature in individuals affected with DYNC1H1-related conditions. Advanced modeling of protein sequence and biophysical properties (such as structural, functional, and spatial information, amino acid conservation, physicochemical variation, residue mobility, and thermodynamic stability) performed at Invitae indicates that this missense variant is expected to disrupt DYNC1H1 protein function. This variant is not present in population databases (gnomAD no frequency).

NM_001376.5(DYNC1H1):c.2032G>A (p.Glu678Lys)

Gene: DYNC1H1 (dynein cytoplasmic 1 heavy chain 1; plus strand). Cytogenetic location: 14q32.31.
Variant type: single nucleotide variant.
Coding change: c.2032G>A on transcript NM_001376.5 (MANE Select); coding-DNA position 2032, G replaced by A.
Protein change: p.Glu678Lys; replaces glutamic acid 678 with lysine.
Molecular consequence: missense variant.
Genome position (GRCh38, 1-based): chr14:101,986,257, G>A. VCF-style: chr14-101986257-G-A. GRCh37 (hg19) VCF-style: chr14-102452594-G-A.
Other names: short protein forms E678K.
Identifiers: ClinVar variation 2012554 (VCV002012554.4), dbSNP rs2503695189, ClinGen allele CA391020365.
Genomic context (GRCh38, chr14:101,986,257, plus strand): 5'-CTGACGGCCTACATGAAGCGGGTGGAAGATGTCCTTGGCAAGGGCTGGGAGAATCACGTG[G>A]AGGGGCAGAAGCTGAAGCAGGATGGAGACAGCTTCCGCATGAAGCTCAACACGCAGGAGA-3'
Protein context (NP_001367.2, residues 668-688): VLGKGWENHV[Glu678Lys]GQKLKQDGDS